The following is an entry in ClinVar:

ClinVar aggregate classification (germline): Benign (1 of 4 stars; one submission).

Allele frequency attached by ClinVar (database versions not stated): gnomAD 0.00829.

Submission:

CeGaT Center for Human Genetics Tuebingen
Classification: Benign. Last evaluated: 2023-03-01. Review status: criteria provided, single submitter. Criteria: CeGaT Center For Human Genetics Tuebingen Variant Classification Criteria Version 2. Collection method: clinical testing. Allele origin: germline. Affected: yes. Observed: 3 variant alleles.
Comment: HCN4: BS1, BS2

NC_000015.10:g.73377627T>C

Genes: HCN4 (hyperpolarization activated cyclic nucleotide gated potassium channel 4; minus strand), LOC110121492 (VISTA enhancer hs2161; plus strand). Cytogenetic location: 15q24.1.
Variant type: single nucleotide variant.
Genome position: GRCh38 VCF-style: chr15-73377627-T-C. GRCh37 (hg19) VCF-style: chr15-73669968-T-C.
Identifiers: ClinVar variation 2645526 (VCV002645526.24), dbSNP rs1265223053, ClinGen allele CA619079417.
Genomic context (GRCh38, chr15:73,377,627, plus strand): 5'-CAGGGGCTGCGACAGAGGCTGTGATAGAGGCTGCGACAGAGGCCGTGATAGAGGCTGTGA[T>C]AGAGGCTGTGACAGAGGCTGTGATAGAGGCTGTGACAGAGGCTGTGACAGAGGCTGTGAT-3'